The following is an entry in ClinVar:

ClinVar aggregate classification (germline): Benign (0 of 4 stars; one submission).

Conditions:
RECQL5-related disorder. Also called: RECQL5-related condition.

Allele frequency attached by ClinVar (database versions not stated): gnomAD exomes 0.00026; ExAC 0.00081; 1000 Genomes Project 0.00240; ESP Exome Variant Server 0.00243; gnomAD 0.00251; 1000 Genomes Project 30x 0.00281; TOPMed 0.00306.
gnomAD v4.1: 798 of 1,587,580 alleles (0.05%); highest among the groups gnomAD compares: African/African-American, 0.91%; 5 homozygotes.

Submission:

PreventionGenetics, part of Exact Sciences
Classification: Benign for RECQL5-related condition. Last evaluated: 2019-11-25. Review status: no assertion criteria provided. Collection method: clinical testing. Allele origin: germline.
Comment: This variant is classified as benign based on ACMG/AMP sequence variant interpretation guidelines (Richards et al. 2015 PMID: 25741868, with internal and published modifications).

NM_004259.7(RECQL5):c.1813-10C>T

Gene: RECQL5 (RecQ like helicase 5; minus strand). Cytogenetic location: 17q25.1.
Variant type: single nucleotide variant.
Coding change: c.1813-10C>T on transcript NM_004259.7 (MANE Select); 10 bases into the intron before coding-DNA position 1813, C replaced by T.
Molecular consequence: intron variant.
Genome position (GRCh38, 1-based): chr17:75,629,852, G>A on the plus strand (C>T on the coding strand, the complement: RECQL5 is on the minus strand). VCF-style: chr17-75629852-G-A. GRCh37 (hg19) VCF-style: chr17-73625932-G-A.
Identifiers: ClinVar variation 3048599 (VCV003048599.2), dbSNP rs112797397, ClinGen allele CA8767251.